The following is an entry in ClinVar:

ClinVar aggregate classification (germline): Uncertain significance (1 of 4 stars; one submission).

gnomAD v4.1: 1 of 1,553,778 alleles (0.000064%); highest among the groups gnomAD compares: Non-Finnish European, 0.000087%; no homozygotes.

Submission:

Women's Health and Genetics/Laboratory Corporation of America, LabCorp
Classification: Uncertain significance. Last evaluated: 2026-06-26. Review status: criteria provided, single submitter. Criteria: LabCorp Variant Classification Summary - May 2015. Collection method: clinical testing. Allele origin: germline.
Comment: Variant summary: CHD5 c.5762A>G (p.Gln1921Arg) results in a conservative amino acid change in the encoded protein sequence. Algorithms developed to predict the effect of missense changes on protein structure and function are either unavailable or do not agree on the potential impact of this missense change. The frequency data for this variant in gnomAD is considered unreliable, as metrics indicate poor data quality at this position. To our knowledge, no occurrence of c.5762A>G in individuals affected with CHD5-related conditions and no experimental evidence demonstrating its impact on protein function have been reported. No submitters have cited clinical-significance assessments for this variant to ClinVar. Based on the evidence outlined above, the variant was classified as uncertain significance.

NM_015557.3(CHD5):c.5762A>G (p.Gln1921Arg)

Gene: CHD5 (chromodomain helicase DNA binding protein 5; minus strand). Cytogenetic location: 1p36.31.
Variant type: single nucleotide variant.
Coding change: c.5762A>G on transcript NM_015557.3 (MANE Select); coding-DNA position 5762, A replaced by G.
Protein change: p.Gln1921Arg; replaces glutamine 1921 with arginine.
Molecular consequence: missense variant.
Genome position (GRCh38, 1-based): chr1:6,106,490, T>C on the plus strand (A>G on the coding strand, the complement: CHD5 is on the minus strand). VCF-style: chr1-6106490-T-C. GRCh37 (hg19) VCF-style: chr1-6166550-T-C.
Other names: short protein forms Q1921R.
Identifiers: ClinVar variation 4887667 (VCV004887667.1).
Genomic context (GRCh38, chr1:6,106,490, plus strand): 5'-TTGACAATCCCTCCCGGTCCAGGGCCCCGGAAGTTGGGCCCAAAGTTGTTGCTGTACATC[T>C]GGGAGGAGCCGAAAGCGCCCTGGAGGCAAGGACTCAGCTTCACAGGTGGTCTCAGGCCCC-3'
Protein context (NP_056372.1, residues 1911-1931): TIQQGAFGSS[Gln1921Arg]MYSNNFGPNF